The following is an entry in ClinVar:

NM_017780.4(CHD7):c.-230G>C

Gene: CHD7 (chromodomain helicase DNA binding protein 7; plus strand). Cytogenetic location: 8q12.2.
Variant type: single nucleotide variant.
Coding change: c.-230G>C on transcript NM_017780.4 (MANE Select); 230 bases upstream of the start codon, G replaced by C.
Molecular consequence: 5 prime UTR variant.
Genome position (GRCh38, 1-based): chr8:60,679,027, G>C. VCF-style: chr8-60679027-G-C. GRCh37 (hg19) VCF-style: chr8-61591586-G-C.
Identifiers: ClinVar variation 363438 (VCV000363438.29), dbSNP rs886063030, ClinGen allele CA10631361.

ClinVar aggregate classification (germline): Conflicting classifications of pathogenicity. Review status: criteria provided, conflicting classifications (1 of 4 stars). 2 submissions from 2 submitters: Uncertain significance (1); Likely benign (1). Last evaluated 2023-05-01.

Conditions:
Hypogonadotropic hypogonadism 5 with or without anosmia (KAL5). Also called: HYPOGONADOTROPIC HYPOGONADISM 5 WITH ANOSMIA; HYPOGONADOTROPHIC HYPOGONADISM 5 WITHOUT ANOSMIA; CHD7-Related GnRH Deficiency (Kallmann Syndrome 5). Identifiers: Orphanet 478, MedGen C3552553, MONDO:0012880, OMIM 612370. Disease mechanism: loss of function.

Allele frequency attached by ClinVar (database versions not stated): 1000 Genomes Project 30x 0.00031; TOPMed 0.00119; gnomAD 0.00124; gnomAD exomes 0.00141.
gnomAD v4.1: 182 of 151,012 alleles (0.12%); highest among the groups gnomAD compares: Non-Finnish European, 0.22%; 2 homozygotes.

Submissions (2):

CeGaT Center for Human Genetics Tuebingen
Classification: Likely benign. Last evaluated: 2023-05-01. Review status: criteria provided, single submitter. Criteria: CeGaT Center For Human Genetics Tuebingen Variant Classification Criteria Version 2. Collection method: clinical testing. Allele origin: germline. Affected: yes. Observed: 6 variant alleles.
Comment: CHD7: BS1

Illumina Laboratory Services, Illumina
Classification: Uncertain significance for Kallmann Syndrome 5. Last evaluated: 2018-01-12. Review status: criteria provided, single submitter. Criteria: ICSL Variant Classification Criteria 13 December 2019. Collection method: clinical testing. Allele origin: germline.